The following is an entry in ClinVar:

ClinVar aggregate classification (germline): Uncertain significance (1 of 4 stars; one submission).

Conditions:
EHHADH-related disorder. Also called: EHHADH-related condition.

gnomAD v4.1: 19 of 1,602,200 alleles (0.0012%); highest among the groups gnomAD compares: Non-Finnish European, 0.0016%; no homozygotes.

Submission:

PreventionGenetics, part of Exact Sciences
Classification: Uncertain significance for EHHADH-related condition. Last evaluated: 2025-10-15. Review status: criteria provided, single submitter. Criteria: ACMG Guidelines, 2015. Collection method: clinical testing. Allele origin: germline.
Comment: The EHHADH c.575C>T variant is predicted to result in the amino acid substitution p.Pro192Leu. To our knowledge, this variant has not been reported in the literature or in a large population database (gnomAD), indicating this variant is rare. At this time, the clinical significance of this variant is uncertain due to the absence of conclusive functional and genetic evidence.

NM_001966.4(EHHADH):c.575C>T (p.Pro192Leu)

Gene: EHHADH (enoyl-CoA hydratase and 3-hydroxyacyl CoA dehydrogenase; minus strand). Cytogenetic location: 3q27.2.
Variant type: single nucleotide variant.
Coding change: c.575C>T on transcript NM_001966.4 (MANE Select); coding-DNA position 575, C replaced by T.
Protein change: p.Pro192Leu; replaces proline 192 with leucine.
Molecular consequence: missense variant.
Genome position (GRCh38, 1-based): chr3:185,204,751, G>A on the plus strand (C>T on the coding strand, the complement: EHHADH is on the minus strand). VCF-style: chr3-185204751-G-A. GRCh37 (hg19) VCF-style: chr3-184922539-G-A.
Other names: c.287C>T, p.Pro96Leu (NM_001166415.2); short protein forms P192L, P96L.
Identifiers: ClinVar variation 4989942 (VCV004989942.1).